The following is an entry in ClinVar:

NM_001378477.3(NYX):c.1020G>A (p.Glu340=)

Gene: NYX (nyctalopin; plus strand). Cytogenetic location: Xp11.4.
Variant type: single nucleotide variant.
Coding change: c.1020G>A on transcript NM_001378477.3 (MANE Select); coding-DNA position 1020, G replaced by A.
Protein change: p.Glu340=; no amino-acid change (glutamic acid 340 retained).
Molecular consequence: synonymous variant.
Genome position (GRCh38, 1-based): chrX:41,474,488, G>A. VCF-style: chrX-41474488-G-A. GRCh37 (hg19) VCF-style: chrX-41333741-G-A.
Other names: c.1020G>A, p.Glu340= (NM_022567.3).
Identifiers: ClinVar variation 368269 (VCV000368269.20), dbSNP rs143486101, ClinGen allele CA10389896.

ClinVar aggregate classification (germline): Benign/Likely benign. Review status: criteria provided, multiple submitters, no conflicts (2 of 4 stars). 6 submissions from 6 submitters: Benign (1); Likely benign (3). 2 of the submissions do not count toward it. Last evaluated 2026-01-21.

Conditions:
Congenital stationary night blindness 1A (CSNB1A). Also called: NYX-Related X-Linked Congenital Stationary Night Blindness; CSNB, COMPLETE, X-LINKED; HEMERALOPIA-MYOPIA; Night blindness, congenital stationary (complete), 1A, X-linked; MYOPIA-NIGHT BLINDNESS; NIGHT BLINDNESS, CONGENITAL STATIONARY, WITH MYOPIA. Identifiers: Orphanet 215, MedGen C3495587, MONDO:0010690, OMIM 310500.

Allele frequency attached by ClinVar (database versions not stated): gnomAD exomes 0.00062 and 0.00115; ESP Exome Variant Server 0.00066; TOPMed 0.00072; ExAC 0.00074; gnomAD 0.00075 and 0.00079.
gnomAD v4.1: 1,329 of 1,207,463 alleles (0.11%); highest among the groups gnomAD compares: Non-Finnish European, 0.14%; 3 homozygotes.

Submissions (6):

Labcorp Genetics (formerly Invitae), Labcorp
Classification: Benign. Last evaluated: 2026-01-21. Review status: criteria provided, single submitter. Criteria: Invitae Variant Classification Sherloc (09022015). Collection method: clinical testing. Allele origin: germline.

Blueprint Genetics
Classification: Likely benign. Last evaluated: 2024-10-31. Review status: criteria provided, single submitter. Criteria: ACMG Guidelines, 2015. Collection method: clinical testing. Allele origin: germline.

Illumina Laboratory Services, Illumina
Classification: Likely benign for Congenital stationary night blindness 1A. Last evaluated: 2018-01-12. Review status: criteria provided, single submitter. Criteria: ICSL Variant Classification Criteria 13 December 2019. Collection method: clinical testing. Allele origin: germline.
Comment: This variant was observed in the ICSL laboratory as part of a predisposition screen in an ostensibly healthy population. It had not been previously curated by ICSL or reported in the Human Gene Mutation Database (HGMD: prior to June 1st, 2018), and was therefore a candidate for classification through an automated scoring system. Utilizing variant allele frequency, disease prevalence and penetrance estimates, and inheritance mode, an automated score was calculated to assess if this variant is too frequent to cause the disease. Based on the score and internal cut-off values, a variant classified as likely benign is not then subjected to further curation. The score for this variant resulted in a classification of likely benign for this disease.

Breakthrough Genomics
Classification: Likely benign. Review status: criteria provided, single submitter. Criteria: ACMG Guidelines, 2015. Collection method: not provided. Allele origin: germline. Inheritance: X-linked inheritance. Affected: yes.

Clinical Genetics DNA and cytogenetics Diagnostics Lab, Erasmus MC, Erasmus Medical Center
Classification: Likely benign. Review status: no assertion criteria provided. Collection method: clinical testing. Allele origin: germline. Affected: yes. Study: VKGL Data-share Consensus. Not counted in ClinVar's aggregate classification.

Clinical Genetics, Academic Medical Center
Classification: Benign. Review status: no assertion criteria provided. Collection method: clinical testing. Allele origin: germline. Affected: yes. Study: VKGL Data-share Consensus. Not counted in ClinVar's aggregate classification.